The following is an entry in ClinVar:

ClinVar aggregate classification (germline): Uncertain significance (1 of 4 stars; one submission).

Conditions:
Dystonic disorder. Also called: Dystonia. Identifiers: MedGen C0013421, MONDO:0003441, HP:0001332.

Allele frequency attached by ClinVar (database versions not stated): TOPMed below 0.00001; gnomAD 0.00001; gnomAD exomes 0.00007; ESP Exome Variant Server 0.00008; ExAC 0.00012.
gnomAD v4.1: 102 of 1,612,718 alleles (0.0063%); highest among the groups gnomAD compares: South Asian, 0.02%; no homozygotes.

Submission:

Labcorp Genetics (formerly Invitae), Labcorp
Classification: Uncertain significance for Dystonic disorder. Last evaluated: 2023-06-27. Review status: criteria provided, single submitter. Criteria: Invitae Variant Classification Sherloc (09022015). Collection method: clinical testing. Allele origin: germline.
Comment: In summary, the available evidence is currently insufficient to determine the role of this variant in disease. Therefore, it has been classified as a Variant of Uncertain Significance. Algorithms developed to predict the effect of sequence changes on RNA splicing suggest that this variant may create or strengthen a splice site. Algorithms developed to predict the effect of missense changes on protein structure and function output the following: SIFT: "Not Available"; PolyPhen-2: "Benign"; Align-GVGD: "Not Available". The asparagine amino acid residue is found in multiple mammalian species, which suggests that this missense change does not adversely affect protein function. This variant has not been reported in the literature in individuals affected with DRD2-related conditions. This variant is present in population databases (rs149926361, gnomAD 0.03%). This sequence change replaces aspartic acid, which is acidic and polar, with asparagine, which is neutral and polar, at codon 309 of the DRD2 protein (p.Asp309Asn).

NM_000795.4(DRD2):c.925G>A (p.Asp309Asn)

Gene: DRD2 (dopamine receptor D2; minus strand). Cytogenetic location: 11q23.2.
Variant type: single nucleotide variant.
Coding change: c.925G>A on transcript NM_000795.4 (MANE Select); coding-DNA position 925, G replaced by A.
Protein change: p.Asp309Asn; replaces aspartic acid 309 with asparagine.
Molecular consequence: missense variant.
Genome position (GRCh38, 1-based): chr11:113,412,769, C>T on the plus strand (G>A on the coding strand, the complement: DRD2 is on the minus strand). VCF-style: chr11-113412769-C-T. GRCh37 (hg19) VCF-style: chr11-113283491-C-T.
Other names: c.838G>A, p.Asp280Asn (NM_016574.4); short protein forms D280N, D309N.
Identifiers: ClinVar variation 2729438 (VCV002729438.3), dbSNP rs149926361, ClinGen allele CA6281230.